The following is an entry in ClinVar:

ClinVar aggregate classification (germline): Likely pathogenic (1 of 4 stars; one submission).

Conditions:
Charlevoix-Saguenay spastic ataxia (SACS). Also called: AUTOSOMAL RECESSIVE SPASTIC ATAXIA OF CHARLEVOIX-SAGUENAY; Spastic ataxia of Charlevoix-Saguenay; SPASTIC ATAXIA 6, AUTOSOMAL RECESSIVE. Identifiers: Orphanet 98, MedGen C1849140, MONDO:0010041, OMIM 270550.

Submission:

PROSPAX: an integrated multimodal progression  chart in spastic ataxias, Center for Neurology; Hertie-Institute for Clinical Brain Research
Classification: Likely pathogenic for Charlevoix-Saguenay spastic ataxia. Last evaluated: 2022-01-01. Review status: criteria provided, single submitter. Criteria: ACMG Guidelines, 2015. Collection method: research. Allele origin: germline. Affected: yes.
Comment: Variant seen in compound het: [c.5629C>T;c.11353_11354delAG]

NM_014363.6(SACS):c.11353_11354del (p.Arg3785fs)

Gene: SACS (sacsin molecular chaperone; minus strand). Cytogenetic location: 13q12.12.
Variant type: Deletion.
Coding change: c.11353_11354del on transcript NM_014363.6 (MANE Select); coding-DNA positions 11353 to 11354, 2 bases deleted (AG; older notation c.11353_11354delAG).
Protein change: p.Arg3785fs; shifts the reading frame from arginine 3785.
Molecular consequence: frameshift variant.
Genome position (GRCh38, 1-based): chr13:23,332,522-23,332,523, CT deleted on the plus strand (AG on the coding strand, the reverse complement: SACS is on the minus strand). VCF-style (leftmost placement, unchanged base first): chr13-23332521-CCT-C. GRCh37 (hg19) VCF-style: chr13-23906660-CCT-C.
Other names: c.10912_10913del, p.Arg3638fs (NM_001278055.2); short protein forms R3638fs, R3785fs.
Identifiers: ClinVar variation 3242503 (VCV003242503.1).